The following is an entry in ClinVar:

NM_015559.3(SETBP1):c.2183del (p.Gly728fs)

Gene: SETBP1 (SET binding protein 1; plus strand). Cytogenetic location: 18q12.3.
Variant type: Deletion.
Coding change: c.2183del on transcript NM_015559.3 (MANE Select); coding-DNA position 2183, one base deleted (G; older notation c.2183delG).
Protein change: p.Gly728fs; shifts the reading frame from glycine 728.
Molecular consequence: frameshift variant.
Genome position (GRCh38, 1-based): chr18:44,951,523, G deleted; the last of 4 consecutive G bases (chr18:44,951,520-44,951,523); deleting any one gives the same sequence. VCF-style (leftmost placement, unchanged base first): chr18-44951519-CG-C. GRCh37 (hg19) VCF-style: chr18-42531484-CG-C.
Other names: c.2183del, p.Gly728fs (NM_001379141.1, NM_001379142.1, NM_001410862.1); short protein forms G728fs.
Identifiers: ClinVar variation 3366957 (VCV003366957.1).

ClinVar aggregate classification (germline): Pathogenic (1 of 4 stars; one submission).

Conditions:
Intellectual developmental disorder, autosomal dominant 29. Also called: SETBP1 Haploinsufficiency Disorder; Intellectual disability, autosomal dominant 29. Identifiers: Orphanet 436151, MedGen C4015141, MONDO:0014482, OMIM 616078.

Submission:

Institute of Immunology and Genetics Kaiserslautern
Classification: Pathogenic for Intellectual developmental disorder, autosomal dominant 29. Last evaluated: 2023-12-23. Review status: criteria provided, single submitter. Criteria: ACMG Guidelines, 2015. Collection method: clinical testing. Allele origin: de novo. Affected: yes.
Comment: ACMG Criteria: PVS1, PS2, PM2; Variant was found in heterozygous state. De novo-status was confirmed via in-house segregation analysis.